The following is an entry in ClinVar:

NM_031885.5(BBS2):c.1061A>G (p.Asn354Ser)

Gene: BBS2 (Bardet-Biedl syndrome 2; minus strand). Cytogenetic location: 16q13.
Variant type: single nucleotide variant.
Coding change: c.1061A>G on transcript NM_031885.5 (MANE Select); coding-DNA position 1061, A replaced by G.
Protein change: p.Asn354Ser; replaces asparagine 354 with serine.
Molecular consequence: missense variant. On other transcripts: non-coding transcript variant (5).
Genome position (GRCh38, 1-based): chr16:56,502,336, T>C on the plus strand (A>G on the coding strand, the complement: BBS2 is on the minus strand). VCF-style: chr16-56502336-T-C. GRCh37 (hg19) VCF-style: chr16-56536248-T-C.
Other names: c.1061A>G, p.Asn354Ser (NM_001377456.1); short protein forms N354S.
Identifiers: ClinVar variation 4992487 (VCV004992487.1).

ClinVar aggregate classification (germline): Uncertain significance (1 of 4 stars; one submission).

Conditions:
BBS2-related disorder. Also called: BBS2-related condition; BBS2-related disorders. Identifiers: MedGen CN239228.

Submission:

PreventionGenetics, part of Exact Sciences
Classification: Uncertain significance for BBS2-related condition. Last evaluated: 2026-09-10. Review status: criteria provided, single submitter. Criteria: ACMG Guidelines, 2015. Collection method: clinical testing. Allele origin: germline.
Comment: The BBS2 c.1061A>G variant is predicted to result in the amino acid substitution p.Asn354Ser. To our knowledge, this variant has not been reported in the literature or in a large population database (gnomAD), indicating this variant is rare. At this time, the clinical significance of this variant is uncertain due to the absence of conclusive functional and genetic evidence.